The following is an entry in ClinVar:

ClinVar aggregate classification (germline): Likely pathogenic (1 of 4 stars; one submission).

Conditions:
Myo-tubulinopathy.

Submission:

Harry Perkins Institute Of Medical Research, University Of Western Australia
Classification: Likely pathogenic for Myo-tubulinopathy. Review status: criteria provided, single submitter. Criteria: ACMG Guidelines, 2015. Collection method: research. Allele origin: germline. Inheritance: Sporadic. Affected: yes. Observed: 1 variant allele.
Comment: PP3_Strong, PM2_Supporting, PP2_Supporting

Literature cited by the submitters: PubMed 40666348.

NM_006000.3(TUBA4A):c.849C>G (p.His283Gln)

Gene: TUBA4A (tubulin alpha 4a; minus strand). Cytogenetic location: 2q35.
Variant type: single nucleotide variant.
Coding change: c.849C>G on transcript NM_006000.3 (MANE Select); coding-DNA position 849, C replaced by G.
Protein change: p.His283Gln; replaces histidine 283 with glutamine.
Molecular consequence: missense variant.
Genome position (GRCh38, 1-based): chr2:219,250,850, G>C on the plus strand (C>G on the coding strand, the complement: TUBA4A is on the minus strand). VCF-style: chr2-219250850-G-C. GRCh37 (hg19) VCF-style: chr2-220115572-G-C.
Other names: c.804C>G, p.His268Gln (NM_001278552.2); short protein forms H268Q, H283Q.
Identifiers: ClinVar variation 4857650 (VCV004857650.1).